The following is an entry in ClinVar:

ClinVar aggregate classification (germline): Uncertain significance (1 of 4 stars; one submission).

Conditions:
ABCG8-related disorder. Also called: ABCG8-related condition.

gnomAD v4.1: 1 of 1,614,182 alleles (0.000062%); highest among the groups gnomAD compares: Non-Finnish European, 0.000085%; no homozygotes.

Submission:

PreventionGenetics, part of Exact Sciences
Classification: Uncertain significance for ABCG8-related condition. Last evaluated: 2025-03-14. Review status: criteria provided, single submitter. Criteria: ACMG Guidelines, 2015. Collection method: clinical testing. Allele origin: germline.
Comment: The ABCG8 c.798C>T variant is not predicted to result in an amino acid change (p.=). This variant is predicted to alter splicing based on available splicing prediction programs (SpliceAI, Jaganathan et al. 2019. PubMed ID: 30661751). However, the use of computer prediction programs is not equivalent to functional evidence. To our knowledge, this variant has not been reported in the literature or in a large population database (gnomAD), indicating this variant is rare. At this time, the clinical significance of this variant is uncertain due to the absence of conclusive functional and genetic evidence.

NM_022437.3(ABCG8):c.798C>T (p.Leu266=)

Gene: ABCG8 (ATP binding cassette subfamily G member 8; plus strand). Cytogenetic location: 2p21.
Variant type: single nucleotide variant.
Coding change: c.798C>T on transcript NM_022437.3 (MANE Select); coding-DNA position 798, C replaced by T.
Protein change: p.Leu266=; no amino-acid change (leucine 266 retained).
Molecular consequence: synonymous variant.
Genome position (GRCh38, 1-based): chr2:43,852,702, C>T. VCF-style: chr2-43852702-C-T. GRCh37 (hg19) VCF-style: chr2-44079841-C-T.
Other names: c.798C>T, p.Leu266= (NM_001357321.2).
Identifiers: ClinVar variation 5000102 (VCV005000102.1).